The following is an entry in ClinVar:

NM_016507.4(CDK12):c.3715C>G (p.Gln1239Glu)

Gene: CDK12 (cyclin dependent kinase 12; plus strand). Cytogenetic location: 17q12.
Variant type: single nucleotide variant.
Coding change: c.3715C>G on transcript NM_016507.4 (MANE Select); coding-DNA position 3715, C replaced by G.
Protein change: p.Gln1239Glu; replaces glutamine 1239 with glutamic acid.
Molecular consequence: missense variant.
Genome position (GRCh38, 1-based): chr17:39,526,271, C>G. VCF-style: chr17-39526271-C-G. GRCh37 (hg19) VCF-style: chr17-37682524-C-G.
Other names: c.3715C>G, p.Gln1239Glu (NM_015083.4); short protein forms Q1239E.
Identifiers: ClinVar variation 3830650 (VCV003830650.1).
Genomic context (GRCh38, chr17:39,526,271, plus strand): 5'-AAAACCCAAGAGCCAGCAGGCAGTCTGGAGGAAAACAACAGTGACAAGAACAGTGGGCCA[C>G]AGGGGCCCCGAAGAACTCCCACAATGCCACAGGAGGAGGCAGCAGGTAAACAGACCGGTC-3'
Protein context (NP_057591.2, residues 1229-1249): ENNSDKNSGP[Gln1239Glu]GPRRTPTMPQ

ClinVar aggregate classification (germline): Uncertain significance (1 of 4 stars; one submission).

gnomAD v4.1: 1 of 1,605,952 alleles (0.000062%); no homozygotes.

Submission:

Ambry Genetics
Classification: Uncertain significance. Last evaluated: 2025-02-11. Review status: criteria provided, single submitter. Criteria: Ambry Variant Classification Scheme 2023. Collection method: clinical testing. Allele origin: germline.
Comment: The p.Q1239E variant (also known as c.3715C>G), located in coding exon 13 of the CDK12 gene, results from a C to G substitution at nucleotide position 3715. The glutamine at codon 1239 is replaced by glutamic acid, an amino acid with highly similar properties. This amino acid position is conserved. In addition, this alteration is predicted to be tolerated by in silico analysis. Based on the available evidence, the clinical significance of this variant remains unclear.